The following is an entry in ClinVar:

ClinVar aggregate classification (germline): Uncertain significance. Review status: criteria provided, multiple submitters, no conflicts (2 of 4 stars). 6 submissions from 6 submitters: Uncertain significance (6). Last evaluated 2024-10-17.

Conditions:
Progressive myoclonic epilepsy type 8. Identifiers: Orphanet 424027, MedGen C5190825, MONDO:0014545, OMIM 616230.

Allele frequency attached by ClinVar (database versions not stated): TOPMed 0.00001.
gnomAD v4.1: 19 of 1,613,758 alleles (0.0012%); highest among the groups gnomAD compares: Middle Eastern, 0.23%; 1 homozygote.

Submissions (6):

Blueprint Genetics
Classification: Uncertain significance. Last evaluated: 2024-10-17. Review status: criteria provided, single submitter. Criteria: ACMG Guidelines, 2015. Collection method: clinical testing. Allele origin: germline.

Labcorp Genetics (formerly Invitae), Labcorp
Classification: Uncertain significance for Progressive myoclonic epilepsy type 8. Last evaluated: 2022-01-12. Review status: criteria provided, single submitter. Criteria: Invitae Variant Classification Sherloc (09022015). Collection method: clinical testing. Allele origin: germline.
Comment: Algorithms developed to predict the effect of missense changes on protein structure and function are either unavailable or do not agree on the potential impact of this missense change (SIFT: "Tolerated"; PolyPhen-2: "Possibly Damaging"; Align-GVGD: "Class C0"). This sequence change replaces serine, which is neutral and polar, with tryptophan, which is neutral and slightly polar, at codon 176 of the CERS1 protein (p.Ser176Trp). This variant is present in population databases (rs555889038, gnomAD 0.003%). This variant has not been reported in the literature in individuals affected with CERS1-related conditions. ClinVar contains an entry for this variant (Variation ID: 853212). In summary, the available evidence is currently insufficient to determine the role of this variant in disease. Therefore, it has been classified as a Variant of Uncertain Significance.

Baylor Genetics
Classification: Uncertain significance for Progressive myoclonic epilepsy type 8. Last evaluated: 2020-05-05. Review status: criteria provided, single submitter. Criteria: ACMG Guidelines, 2015. Collection method: clinical testing. Allele origin: unknown. Affected: yes.
Comment: This variant was determined to be of uncertain significance according to ACMG Guidelines, 2015 [PMID:25741868].

Centre for Mendelian Genomics, University Medical Centre Ljubljana
Classification: Uncertain significance for Progressive myoclonic epilepsy type 8. Last evaluated: 2020-03-16. Review status: criteria provided, single submitter. Criteria: ACMG Guidelines, 2015. Collection method: clinical testing. Allele origin: unknown. Affected: yes.
Comment: This variant was classified as: Uncertain significance. The available evidence on this variant's pathogenicity is insufficient or conflicting. The following ACMG criteria were applied in classifying this variant: PM2,PP3. This variant was detected in homozygous state.

Mayo Clinic Laboratories, Mayo Clinic
Classification: Uncertain significance. Last evaluated: 2019-04-07. Review status: criteria provided, single submitter. Criteria: ACMG Guidelines, 2015. Collection method: clinical testing. Allele origin: germline. Observed: 1 variant allele.

Breakthrough Genomics
Classification: Uncertain significance. Review status: criteria provided, single submitter. Criteria: ACMG Guidelines, 2015. Collection method: not provided. Allele origin: germline. Inheritance: Autosomal dominant inheritance. Affected: yes.

NM_021267.5(CERS1):c.527C>G (p.Ser176Trp)

Genes: CERS1 (ceramide synthase 1; minus strand), GDF1 (growth differentiation factor 1; minus strand). Cytogenetic location: 19p13.11.
Variant type: single nucleotide variant.
Coding change: c.527C>G on transcript NM_021267.5 (MANE Select); coding-DNA position 527, C replaced by G.
Protein change: p.Ser176Trp; replaces serine 176 with tryptophan.
Molecular consequence: missense variant. On other transcripts: 5 prime UTR variant (2).
Genome position (GRCh38, 1-based): chr19:18,884,150, G>C on the plus strand (C>G on the coding strand, the complement: CERS1 is on the minus strand). VCF-style: chr19-18884150-G-C. GRCh37 (hg19) VCF-style: chr19-18994959-G-C.
Other names: c.233C>G, p.Ser78Trp (NM_001290265.2, NM_001387442.1, NM_001387443.1 and 2 more transcripts); c.527C>G, p.Ser176Trp (NM_001387439.1, NM_001387440.1, NM_001387441.1 and 1 more transcripts); c.-376C>G (NM_001387438.1); c.-796C>G (NM_001492.6); short protein forms S176W, S78W.
Identifiers: ClinVar variation 853212 (VCV000853212.17), dbSNP rs555889038, ClinGen allele CA9318241.
Genomic context (GRCh38, chr19:18,884,150, plus strand): 5'-AAGGCGTAGGAGGAGACGATGAGGATGAGAGTGACCACGTGGTGGAGCAGCATGACCACC[G>C]AGTCCTTGCGCCAGGTGTCCATGTATAGCGTAGCGTAGATGGAGTGGCCATAGAAGCTTC-3'
Protein context (NP_067090.1, residues 166-186): TLYMDTWRKD[Ser176Trp]VVMLLHHVVT